The following is an entry in ClinVar:

ClinVar aggregate classification (germline): Benign. Review status: criteria provided, multiple submitters, no conflicts (2 of 4 stars). 2 submissions from 2 submitters: Benign (2). Last evaluated 2024-01-24.

Submissions (2):

Unidad de Genómica Garrahan, Hospital de Pediatría Garrahan
Classification: Benign. Last evaluated: 2024-01-24. Review status: criteria provided, single submitter. Criteria: ACMG Guidelines, 2015. Collection method: clinical testing. Allele origin: germline. Affected: no. Observed: 61 variant alleles.
Comment: This variant is classified as Benign based on local population frequency. This variant was detected in 64% of patients studied by a panel of primary immunodeficiencies. Number of patients: 61. Only high quality variants are reported.

GeneDx
Classification: Benign. Last evaluated: 2019-08-15. Review status: criteria provided, single submitter. Criteria: GeneDx Variant Classification Process June 2021. Collection method: clinical testing. Allele origin: germline. Affected: yes.

NM_002582.4(PARN):c.1006-77dup

Gene: PARN (poly(A)-specific ribonuclease; minus strand). Cytogenetic location: 16p13.12.
Variant type: Duplication.
Coding change: c.1006-77dup on transcript NM_002582.4 (MANE Select); 77 bases into the intron before coding-DNA position 1006, one base duplicated (G; older notation c.1006-77dupG).
Molecular consequence: intron variant.
Genome position (GRCh38, 1-based): chr16:14,584,493, C duplicated on the plus strand (G on the coding strand, the reverse complement: PARN is on the minus strand); the first of 7 consecutive C bases (chr16:14,584,493-14,584,499); duplicating any one gives the same sequence. VCF-style (leftmost placement, unchanged base first): chr16-14584492-A-AC. GRCh37 (hg19) VCF-style: chr16-14678349-A-AC.
Other names: c.823-77dup (NM_001134477.3); c.868-77dup (NM_001242992.2).
Identifiers: ClinVar variation 1266666 (VCV001266666.4), dbSNP rs71373034, ClinGen allele CA278511103.